The following is an entry in ClinVar:

ClinVar aggregate classification (germline): Uncertain significance (1 of 4 stars; one submission).

Submission:

GeneDx
Classification: Uncertain significance. Last evaluated: 2024-04-22. Review status: criteria provided, single submitter. Criteria: GeneDx Variant Classification Process June 2021. Collection method: clinical testing. Allele origin: germline. Affected: yes.
Comment: Not observed at significant frequency in large population cohorts (gnomAD); In silico analysis supports that this missense variant has a deleterious effect on protein structure/function; Has not been previously published as pathogenic or benign to our knowledge

NM_002941.4(ROBO1):c.3734G>A (p.Gly1245Glu)

Gene: ROBO1 (roundabout guidance receptor 1; minus strand). Cytogenetic location: 3p12.3.
Variant type: single nucleotide variant.
Coding change: c.3734G>A on transcript NM_002941.4 (MANE Select); coding-DNA position 3734, G replaced by A.
Protein change: p.Gly1245Glu; replaces glycine 1245 with glutamic acid.
Molecular consequence: missense variant.
Genome position (GRCh38, 1-based): chr3:78,627,462, C>T on the plus strand (G>A on the coding strand, the complement: ROBO1 is on the minus strand). VCF-style: chr3-78627462-C-T. GRCh37 (hg19) VCF-style: chr3-78676612-C-T.
Other names: c.3434G>A, p.Gly1145Glu (NM_001145845.2); c.3599G>A, p.Gly1200Glu (NM_133631.4); short protein forms G1145E, G1200E, G1245E.
Identifiers: ClinVar variation 3372924 (VCV003372924.1).